The following is an entry in ClinVar:

ClinVar aggregate classification (germline): Uncertain significance (1 of 4 stars; one submission).

Conditions:
Fanconi anemia (FA). Also called: Fanconi's anemia. Identifiers: Orphanet 84, MedGen C0015625, MeSH D005199, MONDO:0019391.

Submission:

Labcorp Genetics (formerly Invitae), Labcorp
Classification: Uncertain significance for Fanconi anemia. Last evaluated: 2023-06-15. Review status: criteria provided, single submitter. Criteria: Invitae Variant Classification Sherloc (09022015). Collection method: clinical testing. Allele origin: germline.
Comment: The frequency data for this variant in the population databases is considered unreliable, as metrics indicate poor data quality at this position in the gnomAD database. This variant has not been reported in the literature in individuals affected with FANCM-related conditions. In summary, the available evidence is currently insufficient to determine the role of this variant in disease. Therefore, it has been classified as a Variant of Uncertain Significance. This variant, c.3494_3499dup, results in the insertion of 2 amino acid(s) of the FANCM protein (p.Thr1165_Ala1166dup), but otherwise preserves the integrity of the reading frame.

NM_020937.4(FANCM):c.3494_3499dup (p.Ala1166_Ile1167insThrAla)

Gene: FANCM (FA complementation group M; plus strand). Cytogenetic location: 14q21.2.
Variant type: Duplication.
Coding change: c.3494_3499dup on transcript NM_020937.4 (MANE Select); coding-DNA positions 3494 to 3499, 6 bases duplicated (CTGCTA; older notation c.3494_3499dupCTGCTA).
Protein change: p.Ala1166_Ile1167insThrAla.
Molecular consequence: inframe insertion.
Genome position (GRCh38, 1-based): chr14:45,176,248-45,176,253, CTGCTA duplicated; duplicating any 6 consecutive bases within chr14:45,176,247-45,176,253 gives the same sequence; the c. name uses the placement nearest the transcript's 3' end. VCF-style (leftmost placement, unchanged base first): chr14-45176246-A-AACTGCT. GRCh37 (hg19) VCF-style: chr14-45645449-A-AACTGCT.
Other names: c.3416_3421dup, p.Ala1140_Ile1141insThrAla (NM_001308133.2).
Identifiers: ClinVar variation 3019795 (VCV003019795.3), dbSNP rs928169563, ClinGen allele CA259628335.